The following is an entry in ClinVar:

NM_007078.3(LDB3):c.1069C>T (p.Pro357Ser)

Gene: LDB3 (LIM domain binding 3; plus strand). Cytogenetic location: 10q23.2.
Variant type: single nucleotide variant.
Coding change: c.1069C>T on transcript NM_007078.3 (MANE Select); coding-DNA position 1069, C replaced by T.
Protein change: p.Pro357Ser; replaces proline 357 with serine.
Molecular consequence: missense variant. On other transcripts: intron variant (4).
Genome position (GRCh38, 1-based): chr10:86,706,703, C>T. VCF-style: chr10-86706703-C-T. GRCh37 (hg19) VCF-style: chr10-88466460-C-T.
Other names: c.928C>T, p.Pro310Ser (NM_001368066.1); c.897-3202C>T (NM_001368064.1, NM_001368065.1); c.1101-3202C>T (NM_001171610.2); c.756-3202C>T (NM_001080114.2); short protein forms P357S, P310S.
Identifiers: ClinVar variation 2852563 (VCV002852563.3), dbSNP rs2492762051, ClinGen allele CA377447346.

ClinVar aggregate classification (germline): Uncertain significance (1 of 4 stars; one submission).

Conditions:
Myofibrillar myopathy 4. Also called: Zaspopathy (type). Identifiers: Orphanet 98912, MedGen C4721886, MONDO:0012277, OMIM 609452.

Submission:

Labcorp Genetics (formerly Invitae), Labcorp
Classification: Uncertain significance for Myofibrillar myopathy 4. Last evaluated: 2023-04-06. Review status: criteria provided, single submitter. Criteria: Invitae Variant Classification Sherloc (09022015). Collection method: clinical testing. Allele origin: germline.
Comment: The LDB3 gene has multiple clinically relevant transcripts. This variant occurs in alternate transcript NM_007078.3, and corresponds to NM_001080116.1:c.*7329C>T in the primary transcript. This sequence change replaces proline, which is neutral and non-polar, with serine, which is neutral and polar, at codon 357 of the LDB3 protein (p.Pro357Ser). This variant is not present in population databases (gnomAD no frequency). This variant has not been reported in the literature in individuals affected with LDB3-related conditions. Experimental studies and prediction algorithms are not available or were not evaluated, and the functional significance of this variant is currently unknown. In summary, the available evidence is currently insufficient to determine the role of this variant in disease. Therefore, it has been classified as a Variant of Uncertain Significance.